The following is an entry in ClinVar:

NM_002392.6(MDM2):c.1301C>G (p.Ser434Cys)

Gene: MDM2 (MDM2 proto-oncogene; plus strand). Cytogenetic location: 12q15.
Variant type: single nucleotide variant.
Coding change: c.1301C>G on transcript NM_002392.6 (MANE Select); coding-DNA position 1301, C replaced by G.
Protein change: p.Ser434Cys; replaces serine 434 with cysteine.
Molecular consequence: missense variant.
Genome position (GRCh38, 1-based): chr12:68,839,656, C>G. VCF-style: chr12-68839656-C-G. GRCh37 (hg19) VCF-style: chr12-69233436-C-G.
Other names: c.1142C>G, p.Ser381Cys (NM_001145337.3); c.1136C>G, p.Ser379Cys (NM_001145339.2); c.695C>G, p.Ser232Cys (NM_001145340.3); c.773C>G, p.Ser258Cys (NM_001278462.2); c.1283C>G, p.Ser428Cys (NM_001367990.1); short protein forms S434C, S232C, S258C, S428C, S379C, S381C.
Identifiers: ClinVar variation 1961369 (VCV001961369.5), dbSNP rs1269114698, ClinGen allele CA385705328.

ClinVar aggregate classification (germline): Uncertain significance (1 of 4 stars; one submission).

Conditions:
Accelerated tumor formation, susceptibility to (ACTFS). Identifiers: MedGen C3280690, OMIM 614401, MONDO:0013733.

Allele frequency attached by ClinVar (database versions not stated): gnomAD exomes below 0.00001.
gnomAD v4.1: 1 of 1,613,696 alleles (0.000062%); highest among the groups gnomAD compares: Non-Finnish European, 0.000085%; no homozygotes.

Submission:

Labcorp Genetics (formerly Invitae), Labcorp
Classification: Uncertain significance for Accelerated tumor formation, susceptibility to. Last evaluated: 2022-01-16. Review status: criteria provided, single submitter. Criteria: Invitae Variant Classification Sherloc (09022015). Collection method: clinical testing. Allele origin: germline.
Comment: In summary, the available evidence is currently insufficient to determine the role of this variant in disease. Therefore, it has been classified as a Variant of Uncertain Significance. Algorithms developed to predict the effect of missense changes on protein structure and function are either unavailable or do not agree on the potential impact of this missense change (SIFT: "Tolerated"; PolyPhen-2: "Probably Damaging"; Align-GVGD: "Class C0"). This variant has not been reported in the literature in individuals affected with MDM2-related conditions. This variant is present in population databases (no rsID available, gnomAD no frequency). This sequence change replaces serine, which is neutral and polar, with cysteine, which is neutral and slightly polar, at codon 434 of the MDM2 protein (p.Ser434Cys).